The following is an entry in ClinVar:

NM_001353214.3(DYM):c.368del (p.Glu123fs)

Gene: DYM (dymeclin; minus strand). Cytogenetic location: 18q21.1.
Variant type: Deletion.
Coding change: c.368del on transcript NM_001353214.3 (MANE Select); coding-DNA position 368, one base deleted (A; older notation c.368delA).
Protein change: p.Glu123fs; shifts the reading frame from glutamic acid 123.
Molecular consequence: frameshift variant. On other transcripts: intron variant (5).
Genome position (GRCh38, 1-based): chr18:49,378,620, T deleted on the plus strand (A on the coding strand, the reverse complement: DYM is on the minus strand). VCF-style (leftmost placement, unchanged base first): chr18-49378619-CT-C. GRCh37 (hg19) VCF-style: chr18-46904989-CT-C.
Other names: c.368del, p.Glu123fs (NM_001353210.3, NM_001353213.3, NM_001353215.3 and 12 more transcripts); c.365del, p.Glu122fs (NM_001353211.3, NM_001353212.3, NM_001374429.1 and 1 more transcripts); c.193+12973del (NM_001374443.1, NM_001374444.1, NM_001374442.1 and 2 more transcripts); short protein forms E122fs, E123fs.
Identifiers: ClinVar variation 1076840 (VCV001076840.9), dbSNP rs2147678318, ClinGen allele CA2499225195.
Genomic context (GRCh38, chr18:49,378,619, plus strand): 5'-ATACTTACTGTAATTGCCAGGAGATTTTTCTTCATAAGTAAAATGAAGTTGTAATTCCTC[CT>C]CTGACATCTGACAGATGAACACTTTCAGCAAACAGCAAATAATAAACAAAGCATTGTGTG-3'

ClinVar aggregate classification (germline): Pathogenic (1 of 4 stars; one submission).

Submission:

Labcorp Genetics (formerly Invitae), Labcorp
Classification: Pathogenic. Last evaluated: 2024-06-03. Review status: criteria provided, single submitter. Criteria: Invitae Variant Classification Sherloc (09022015). Collection method: clinical testing. Allele origin: germline.
Comment: This sequence change creates a premature translational stop signal (p.Glu123Glyfs*33) in the DYM gene. It is expected to result in an absent or disrupted protein product. Loss-of-function variants in DYM are known to be pathogenic (PMID: 12491225, 12554689, 18996921). This variant is not present in population databases (gnomAD no frequency). This premature translational stop signal has been observed in individual(s) with clinical features of Dyggve-Melchior-Clausen disease (Invitae). ClinVar contains an entry for this variant (Variation ID: 1076840). For these reasons, this variant has been classified as Pathogenic.

Literature cited by the submitters: PubMed 12491225; PubMed 12554689; PubMed 18996921.